The following is an entry in ClinVar:

ClinVar aggregate classification (germline): Uncertain significance (1 of 4 stars; one submission).

Submission:

GeneDx
Classification: Uncertain significance. Last evaluated: 2025-02-07. Review status: criteria provided, single submitter. Criteria: GeneDx Variant Classification Process June 2021. Collection method: clinical testing. Allele origin: germline. Affected: yes.
Comment: Not observed at significant frequency in large population cohorts (gnomAD); Frameshift variant predicted to result in protein truncation or nonsense mediated decay in a gene or region of a gene for which loss of function is not a well-established mechanism of disease; Has not been previously published as pathogenic or benign to our knowledge

NM_001220.5(CAMK2B):c.1419_1420del (p.Pro475fs)

Gene: CAMK2B (calcium/calmodulin dependent protein kinase II beta; minus strand). Cytogenetic location: 7p13.
Variant type: Deletion.
Coding change: c.1419_1420del on transcript NM_001220.5 (MANE Select); coding-DNA positions 1419 to 1420, 2 bases deleted (GC; older notation c.1419_1420delGC).
Protein change: p.Pro475fs; shifts the reading frame from proline 475.
Molecular consequence: frameshift variant. On other transcripts: intron variant (8).
Genome position (GRCh38, 1-based): chr7:44,228,844-44,228,845, GC deleted on the plus strand (GC on the coding strand, the reverse complement: CAMK2B is on the minus strand). VCF-style (leftmost placement, unchanged base first): chr7-44228843-GGC-G. GRCh37 (hg19) VCF-style: chr7-44268442-GGC-G.
Other names: c.947-7944_947-7943del (NM_172084.3); c.1150+2161_1150+2162del (NM_172080.3); c.1036+2161_1036+2162del (NM_172083.3); c.1108+2161_1108+2162del (NM_172081.3); c.1153+2161_1153+2162del (NM_172079.3, NM_172082.3); c.1225+2161_1225+2162del (NM_001293170.2, NM_172078.3); short protein forms P475fs.
Identifiers: ClinVar variation 4075534 (VCV004075534.1).